The following is an entry in ClinVar:

ClinVar aggregate classification (germline): Uncertain significance. Review status: criteria provided, multiple submitters, no conflicts (2 of 4 stars). 2 submissions from 2 submitters: Uncertain significance (2). Last evaluated 2024-06-26.

Allele frequency attached by ClinVar (database versions not stated): gnomAD exomes below 0.00001; TOPMed below 0.00001; gnomAD 0.00001.
gnomAD v4.1: 2 of 1,205,916 alleles (0.00017%); highest among the groups gnomAD compares: African/African-American, 0.0035%; no homozygotes.

Submissions (2):

GeneDx
Classification: Uncertain significance. Last evaluated: 2024-06-26. Review status: criteria provided, single submitter. Criteria: GeneDx Variant Classification Process June 2021. Collection method: clinical testing. Allele origin: germline. Affected: yes.
Comment: Not observed at significant frequency in large population cohorts (gnomAD); In silico analysis indicates that this missense variant does not alter protein structure/function; Has not been previously published as pathogenic or benign to our knowledge

Eurofins Ntd Llc (ga)
Classification: Uncertain significance. Last evaluated: 2017-12-05. Review status: criteria provided, single submitter. Criteria: EGL Classification Definitions 2015. Collection method: clinical testing. Allele origin: germline. Observed: 1 variant allele, 1 hemizygote.

NM_001367721.1(CASK):c.1098G>T (p.Lys366Asn)

Gene: CASK (calcium/calmodulin dependent serine protein kinase; minus strand). Cytogenetic location: Xp11.4.
Variant type: single nucleotide variant.
Coding change: c.1098G>T on transcript NM_001367721.1 (MANE Select); coding-DNA position 1098, G replaced by T.
Protein change: p.Lys366Asn; replaces lysine 366 with asparagine.
Molecular consequence: missense variant.
Genome position (GRCh38, 1-based): chrX:41,609,961, C>A on the plus strand (G>T on the coding strand, the complement: CASK is on the minus strand). VCF-style: chrX-41609961-C-A. GRCh37 (hg19) VCF-style: chrX-41469214-C-A.
Other names: c.1098G>T, p.Lys366Asn (NM_001126054.3, NM_003688.4); c.1080G>T, p.Lys360Asn (NM_001126055.3, NM_001410745.1); short protein forms K366N, K360N.
Identifiers: ClinVar variation 595283 (VCV000595283.6), dbSNP rs1205947875, ClinGen allele CA412999658.